The following is an entry in ClinVar:

NM_015570.4(AUTS2):c.1508T>C (p.Leu503Ser)

Gene: AUTS2 (activator of transcription and developmental regulator AUTS2; plus strand). Cytogenetic location: 7q11.22.
Variant type: single nucleotide variant.
Coding change: c.1508T>C on transcript NM_015570.4 (MANE Select); coding-DNA position 1508, T replaced by C.
Protein change: p.Leu503Ser; replaces leucine 503 with serine.
Molecular consequence: missense variant.
Genome position (GRCh38, 1-based): chr7:70,766,153, T>C. VCF-style: chr7-70766153-T-C. GRCh37 (hg19) VCF-style: chr7-70231139-T-C.
Other names: c.1508T>C, p.Leu503Ser (NM_001127231.3); short protein forms L503S.
Identifiers: ClinVar variation 3363638 (VCV003363638.1).

ClinVar aggregate classification (germline): Uncertain significance (1 of 4 stars; one submission).

Submission:

GeneDx
Classification: Uncertain significance. Last evaluated: 2023-11-08. Review status: criteria provided, single submitter. Criteria: GeneDx Variant Classification Process June 2021. Collection method: clinical testing. Allele origin: germline. Affected: yes.
Comment: Not observed at significant frequency in large population cohorts (gnomAD); In silico analysis supports that this missense variant has a deleterious effect on protein structure/function; Has not been previously published as pathogenic or benign to our knowledge